The following is an entry in ClinVar:

NM_020975.6(RET):c.1697C>T (p.Pro566Leu)

Gene: RET (ret proto-oncogene; plus strand). Cytogenetic location: 10q11.21.
Variant type: single nucleotide variant.
Coding change: c.1697C>T on transcript NM_020975.6 (MANE Select); coding-DNA position 1697, C replaced by T.
Protein change: p.Pro566Leu; replaces proline 566 with leucine.
Molecular consequence: missense variant.
Genome position (GRCh38, 1-based): chr10:43,112,901, C>T. VCF-style: chr10-43112901-C-T. GRCh37 (hg19) VCF-style: chr10-43608349-C-T.
Other names: c.1697C>T, p.Pro566Leu (NM_000323.2, NM_001406743.1, NM_001406744.1 and 6 more transcripts); c.935C>T, p.Pro312Leu (NM_001355216.2); c.1568C>T, p.Pro523Leu (NM_001406761.1, NM_001406762.1, NM_001406764.1 and 1 more transcripts); c.1409C>T, p.Pro470Leu (NM_001406766.1, NM_001406767.1, NM_001406770.1); c.1301C>T, p.Pro434Leu (NM_001406769.1, NM_001406772.1); c.1259C>T, p.Pro420Leu (NM_001406771.1, NM_001406773.1); c.1172C>T, p.Pro391Leu (NM_001406774.1); c.971C>T, p.Pro324Leu (NM_001406775.1, NM_001406776.1, NM_001406777.1 and 1 more transcripts); and 5 more; short protein forms P312L, P566L, P324L, P420L, P434L, P470L, P171L, P523L.
Identifiers: ClinVar variation 1020733 (VCV001020733.10), dbSNP rs1319956362, ClinGen allele CA376551917.

ClinVar aggregate classification (germline): Uncertain significance. Review status: criteria provided, multiple submitters, no conflicts (2 of 4 stars). 2 submissions from 2 submitters: Uncertain significance (2). Last evaluated 2025-03-12.

Conditions:
Hereditary cancer-predisposing syndrome. Also called: Tumor predisposition; Neoplastic Syndromes, Hereditary; Hereditary neoplastic syndrome; Hereditary Cancer Syndrome. Identifiers: Orphanet 140162, MedGen C0027672, MeSH D009386, MONDO:0015356.
Multiple endocrine neoplasia, type 2 (MEN2). Identifiers: Orphanet 653, MedGen C4048306, MONDO:0019003. Disease mechanism: gain of function.

Allele frequency attached by ClinVar (database versions not stated): gnomAD exomes below 0.00001.
gnomAD v4.1: 1 of 1,614,138 alleles (0.000062%); highest among the groups gnomAD compares: Admixed American, 0.0017%; no homozygotes.

Submissions (2):

Ambry Genetics
Classification: Uncertain significance for Hereditary cancer-predisposing syndrome. Last evaluated: 2025-03-12. Review status: criteria provided, single submitter. Criteria: Ambry Variant Classification Scheme 2023. Collection method: clinical testing. Allele origin: germline.
Comment: The p.P566L variant (also known as c.1697C>T), located in coding exon 9 of the RET gene, results from a C to T substitution at nucleotide position 1697. The proline at codon 566 is replaced by leucine, an amino acid with similar properties. This alteration has been identified in an individual diagnosed with Hirschsprung disease (Vaclavikova E et al. Pediatr Surg Int, 2012 Feb;28:123-8). This amino acid position is highly conserved in available vertebrate species. In addition, the in silico prediction for this alteration is inconclusive. Based on the available evidence, the clinical significance of this variant remains unclear.

Labcorp Genetics (formerly Invitae), Labcorp
Classification: Uncertain significance for Multiple endocrine neoplasia, type 2. Last evaluated: 2020-09-17. Review status: criteria provided, single submitter. Criteria: Invitae Variant Classification Sherloc (09022015). Collection method: clinical testing. Allele origin: germline.
Comment: Algorithms developed to predict the effect of missense changes on protein structure and function are either unavailable or do not agree on the potential impact of this missense change (SIFT: "Deleterious"; PolyPhen-2: "Benign"; Align-GVGD: "Class C65"). In summary, the available evidence is currently insufficient to determine the role of this variant in disease. Therefore, it has been classified as a Variant of Uncertain Significance. This variant has been observed in individual(s) with Hirschsprung disease (PMID: 21986619). This variant is not present in population databases (ExAC no frequency). This sequence change replaces proline with leucine at codon 566 of the RET protein (p.Pro566Leu). The proline residue is highly conserved and there is a moderate physicochemical difference between proline and leucine.

Literature cited by the submitters: PubMed 21986619 (cited by Ambry Genetics and Labcorp Genetics (formerly Invitae), Labcorp).